The following is an entry in ClinVar:

NM_017654.4(SAMD9):c.1017C>A (p.Phe339Leu)

Gene: SAMD9 (sterile alpha motif domain containing 9; minus strand). Cytogenetic location: 7q21.2.
Variant type: single nucleotide variant.
Coding change: c.1017C>A on transcript NM_017654.4 (MANE Select); coding-DNA position 1017, C replaced by A.
Protein change: p.Phe339Leu; replaces phenylalanine 339 with leucine.
Molecular consequence: missense variant.
Genome position (GRCh38, 1-based): chr7:93,105,081, G>T on the plus strand (C>A on the coding strand, the complement: SAMD9 is on the minus strand). VCF-style: chr7-93105081-G-T. GRCh37 (hg19) VCF-style: chr7-92734394-G-T.
Other names: c.1017C>A, p.Phe339Leu (NM_001193307.2); short protein forms F339L.
Identifiers: ClinVar variation 3316114 (VCV003316114.6).

ClinVar aggregate classification (germline): Uncertain significance. Review status: criteria provided, multiple submitters, no conflicts (2 of 4 stars). 3 submissions from 3 submitters: Uncertain significance (3). Last evaluated 2025-07-13.

Conditions:
Inborn genetic diseases. Identifiers: MedGen C0950123, MeSH D030342.

Submissions (3):

Labcorp Genetics (formerly Invitae), Labcorp
Classification: Uncertain significance. Last evaluated: 2025-07-13. Review status: criteria provided, single submitter. Criteria: Invitae Variant Classification Sherloc (09022015). Collection method: clinical testing. Allele origin: germline.
Comment: This sequence change replaces phenylalanine, which is neutral and non-polar, with leucine, which is neutral and non-polar, at codon 339 of the SAMD9 protein (p.Phe339Leu). This variant is present in population databases (rs749219187, gnomAD 0.02%). This variant has not been reported in the literature in individuals affected with SAMD9-related conditions. ClinVar contains an entry for this variant (Variation ID: 3316114). Invitae Evidence Modeling of protein sequence and biophysical properties (such as structural, functional, and spatial information, amino acid conservation, physicochemical variation, residue mobility, and thermodynamic stability) indicates that this missense variant is not expected to disrupt SAMD9 protein function with a negative predictive value of 95%. In summary, the available evidence is currently insufficient to determine the role of this variant in disease. Therefore, it has been classified as a Variant of Uncertain Significance.

GeneDx
Classification: Uncertain significance. Last evaluated: 2025-06-25. Review status: criteria provided, single submitter. Criteria: GeneDx Variant Classification Process June 2021. Collection method: clinical testing. Allele origin: germline.
Comment: Not observed at significant frequency in large population cohorts (gnomAD); In silico analysis suggests that this missense variant does not alter protein structure/function; Has not been previously published as pathogenic or benign to our knowledge; This variant is associated with the following publications: (PMID: 28545555)

Ambry Genetics
Classification: Uncertain significance for Inborn genetic diseases. Last evaluated: 2024-12-06. Review status: criteria provided, single submitter. Criteria: Ambry Variant Classification Scheme 2023. Collection method: clinical testing. Allele origin: germline.
Comment: The p.F339L variant (also known as c.1017C>A), located in coding exon 1 of the SAMD9 gene, results from a C to A substitution at nucleotide position 1017. The phenylalanine at codon 339 is replaced by leucine, an amino acid with highly similar properties. This amino acid position is conserved. In addition, this alteration is predicted to be tolerated by in silico analysis. Based on the available evidence, the clinical significance of this variant remains unclear.